The following is an entry in ClinVar:

NM_000057.4(BLM):c.2024C>G (p.Ala675Gly)

Gene: BLM (BLM RecQ like helicase; plus strand). Cytogenetic location: 15q26.1.
Variant type: single nucleotide variant.
Coding change: c.2024C>G on transcript NM_000057.4 (MANE Select); coding-DNA position 2024, C replaced by G.
Protein change: p.Ala675Gly; replaces alanine 675 with glycine.
Molecular consequence: missense variant.
Genome position (GRCh38, 1-based): chr15:90,763,107, C>G. VCF-style: chr15-90763107-C-G. GRCh37 (hg19) VCF-style: chr15-91306337-C-G.
Other names: c.2024C>G, p.Ala675Gly (NM_001287246.2, NM_001287247.2); c.899C>G, p.Ala300Gly (NM_001287248.2); short protein forms A675G, A300G.
Identifiers: ClinVar variation 2905736 (VCV002905736.4), dbSNP rs2151160720, ClinGen allele CA393844387.

ClinVar aggregate classification (germline): Uncertain significance. Review status: criteria provided, multiple submitters, no conflicts (2 of 4 stars). 2 submissions from 2 submitters: Uncertain significance (2). Last evaluated 2023-12-29.

Conditions:
Hereditary cancer-predisposing syndrome. Also called: Hereditary Cancer Syndrome; Hereditary neoplastic syndrome; Tumor predisposition; Neoplastic Syndromes, Hereditary. Identifiers: Orphanet 140162, MedGen C0027672, MeSH D009386, MONDO:0015356.
Bloom syndrome (BLM). Also called: Bloom-Torre-Machacek syndrome. Identifiers: Orphanet 125, MedGen C0005859, MONDO:0008876, OMIM 210900.

Allele frequency attached by ClinVar (database versions not stated): gnomAD exomes below 0.00001.

Submissions (2):

Ambry Genetics
Classification: Uncertain significance for Hereditary cancer-predisposing syndrome. Last evaluated: 2023-12-29. Review status: criteria provided, single submitter. Criteria: Ambry Variant Classification Scheme 2023. Collection method: clinical testing. Allele origin: germline.
Comment: The p.A675G variant (also known as c.2024C>G), located in coding exon 7 of the BLM gene, results from a C to G substitution at nucleotide position 2024. The alanine at codon 675 is replaced by glycine, an amino acid with similar properties. This amino acid position is conserved. In addition, this alteration is predicted to be deleterious by in silico analysis. Since supporting evidence is limited at this time, the clinical significance of this alteration remains unclear.

Labcorp Genetics (formerly Invitae), Labcorp
Classification: Uncertain significance for Bloom syndrome. Last evaluated: 2023-11-11. Review status: criteria provided, single submitter. Criteria: Invitae Variant Classification Sherloc (09022015). Collection method: clinical testing. Allele origin: germline.
Comment: This sequence change replaces alanine, which is neutral and non-polar, with glycine, which is neutral and non-polar, at codon 675 of the BLM protein (p.Ala675Gly). This variant is not present in population databases (gnomAD no frequency). This variant has not been reported in the literature in individuals affected with BLM-related conditions. Advanced modeling of protein sequence and biophysical properties (such as structural, functional, and spatial information, amino acid conservation, physicochemical variation, residue mobility, and thermodynamic stability) performed at Invitae indicates that this missense variant is expected to disrupt BLM protein function with a positive predictive value of 80%. In summary, the available evidence is currently insufficient to determine the role of this variant in disease. Therefore, it has been classified as a Variant of Uncertain Significance.